The following is an entry in ClinVar:

NM_018480.7(TMEM126B):c.397G>A (p.Asp133Asn)

Gene: TMEM126B (transmembrane protein 126B; plus strand). Cytogenetic location: 11q14.1.
Variant type: single nucleotide variant.
Coding change: c.397G>A on transcript NM_018480.7 (MANE Select); coding-DNA position 397, G replaced by A.
Protein change: p.Asp133Asn; replaces aspartic acid 133 with asparagine.
Molecular consequence: missense variant. On other transcripts: intron variant (1).
Genome position (GRCh38, 1-based): chr11:85,634,279, G>A. VCF-style: chr11-85634279-G-A. GRCh37 (hg19) VCF-style: chr11-85345323-G-A.
Other names: c.307G>A, p.Asp103Asn (NM_001256546.2, NM_001193538.3); c.259G>A, p.Asp87Asn (NM_001256547.2); c.397G>A, p.Gly133Ser (NM_001350394.2); c.337G>A, p.Gly113Ser (NM_001350395.2); c.307G>A, p.Gly103Ser (NM_001350396.2); c.172+103G>A (NM_001350393.1); c.337G>A, p.Asp113Asn (NM_001193537.3); short protein forms D133N, D103N, G103S, D87N, D113N, G133S, G113S.
Identifiers: ClinVar variation 253166 (VCV000253166.12), dbSNP rs573006534, ClinGen allele CA6212478.
Genomic context (GRCh38, chr11:85,634,279, plus strand): 5'-CTTCCATTTTTGTCTACTGTTGTTACTGACAAGCTTTTTGTAATTGATGCTTTGTATTCA[G>A]GTGAATTTAAATTCACTAATGTATAACGTAGTTATGTCTAAGTAAAGTTACTTATTAACA-3'
Protein context (NP_060950.3, residues 123-143): KLFVIDALYS[Asp133Asn]NISKENCVFR

ClinVar aggregate classification (germline): Pathogenic/Likely pathogenic. Review status: criteria provided, multiple submitters, no conflicts (2 of 4 stars). 7 submissions from 7 submitters: Pathogenic (2); Likely pathogenic (4). 1 of the submissions does not count toward it. Last evaluated 2026-08-25.

Conditions:
TMEM126B-related disorder. Also called: TMEM126B-related condition.
Mitochondrial complex I deficiency, nuclear type 29. Also called: Mitochondrial complex 1 deficiency, nuclear type 29. Identifiers: MedGen C4748830, MONDO:0032633, OMIM 618250.

Allele frequency attached by ClinVar (database versions not stated): gnomAD 0.00007 and 0.00008; gnomAD exomes 0.00008 and 0.00013; TOPMed 0.00009; 1000 Genomes Project 30x 0.00016; 1000 Genomes Project 0.00020.

Submissions (8):

GeneDx
Classification: Likely pathogenic. Last evaluated: 2026-08-25. Review status: criteria provided, single submitter. Criteria: GeneDx Variant Classification Process June 2021. Collection method: clinical testing. Allele origin: germline.
Comment: RNA studies revealed the presence of a truncated product lacking 104 bp from exon 3 (PMID: 27374773); Not observed at significant frequency in large population cohorts (gnomAD); In silico analysis supports a deleterious effect on splicing; This variant is associated with the following publications: (PMID: 27374773, 35160083, 38523675, 34827632, 41427350, 39411402, 41278337)

First Genomix Gene Laboratory, Genetic Diagnostics Department
Classification: Pathogenic for Mitochondrial complex I deficiency, nuclear type 29. Last evaluated: 2025-07-14. Review status: criteria provided, single submitter. Criteria: ACMG Guidelines, 2015. Collection method: clinical testing. Allele origin: germline. Inheritance: Autosomal recessive inheritance. Affected: no. Observed: 1 variant allele.

Labcorp Genetics (formerly Invitae), Labcorp
Classification: Pathogenic. Last evaluated: 2025-01-15. Review status: criteria provided, single submitter. Criteria: Invitae Variant Classification Sherloc (09022015). Collection method: clinical testing. Allele origin: germline.
Comment: This sequence change replaces aspartic acid, which is acidic and polar, with asparagine, which is neutral and polar, at codon 133 of the TMEM126B protein (p.Asp133Asn). This variant also falls at the last nucleotide of exon 3, which is part of the consensus splice site for this exon. This variant is present in population databases (rs573006534, gnomAD 0.01%). This missense change has been observed in individual(s) with mitochondrial complex I deficiency (PMID: 27374773). In at least one individual the data is consistent with being in trans (on the opposite chromosome) from a pathogenic variant. ClinVar contains an entry for this variant (Variation ID: 253166). An algorithm developed to predict the effect of missense changes on protein structure and function (PolyPhen-2) suggests that this variant is likely to be tolerated. Variants that disrupt the consensus splice site are a relatively common cause of aberrant splicing (PMID: 17576681, 9536098). Algorithms developed to predict the effect of sequence changes on RNA splicing suggest that this variant may disrupt the consensus splice site. For these reasons, this variant has been classified as Pathogenic.

Service de Génétique Médicale, Centre Hospitalier Universitaire de Nice-Université Côte d'Azur
Classification: Likely pathogenic for Mitochondrial complex I deficiency, nuclear type 29. Last evaluated: 2024-02-27. Review status: criteria provided, single submitter. Criteria: ACMG Guidelines, 2015. Collection method: clinical testing. Allele origin: germline. Affected: yes.

Blueprint Genetics
Classification: Likely pathogenic for TMEM126B-related disorders. Last evaluated: 2024-01-17. Review status: criteria provided, single submitter. Criteria: ACMG Guidelines, 2015. Collection method: clinical testing. Allele origin: germline. Affected: yes. Observed: 4 variant alleles.

Women's Health and Genetics/Laboratory Corporation of America, LabCorp
Classification: Likely pathogenic for Mitochondrial complex I deficiency, nuclear type 29. Last evaluated: 2022-01-19. Review status: criteria provided, single submitter. Criteria: LabCorp Variant Classification Summary - May 2015. Collection method: clinical testing. Allele origin: germline.
Comment: Variant summary: TMEM126B c.397G>A (p.Asp133Asn) results in a conservative amino acid change in the encoded protein sequence. Four of five in-silico tools predict a benign effect of the variant on protein function. Several computational tools predict a significant impact on normal splicing: Two predict the variant weakens a 5' donor site and one predicts the variant abolishes a 5 splicing donor site. Experimental evidence supports these predictions demonstrating the variant affects mRNA splicing leading to the utilization of an alternative splice site, which generated a truncated cDNA lacking 104 bp from exon 3 (Sanchez-Caballero_2016). The variant allele was found at a frequency of 8.4e-05 in 248690 control chromosomes (gnomAD). c.397G>A has been reported in the literature in two compound heterozygous individuals affected with Mitochondrial Complex 1 Deficiency (Sanchez-Caballero_2016). These data indicate that the variant is likely to be associated with disease. A ClinVar submitter (evaluation after 2014) cites the variant as pathogenic. Based on the evidence outlined above, the variant was classified as likely pathogenic.

OMIM
Classification: Pathogenic for MITOCHONDRIAL COMPLEX I DEFICIENCY, NUCLEAR TYPE 29. Last evaluated: 2018-12-13. Review status: no assertion criteria provided. Collection method: literature only. Allele origin: germline. Not counted in ClinVar's aggregate classification.

Dr. Peter K. Rogan Lab, Western University
No classification provided (evidence only). Condition: Colon adenocarcinoma. Review status: no classification provided. Collection method: in vitro. Allele origin: not applicable. Functional consequence: skipped exon, retained intron. Not counted in ClinVar's aggregate classification.

Literature cited by the submitters: PubMed 27374773 (cited by 3 submitters); PubMed 17576681 (cited by Labcorp Genetics (formerly Invitae), Labcorp); PubMed 9536098 (cited by Labcorp Genetics (formerly Invitae), Labcorp); PubMed 38703036 (cited by Service de Génétique Médicale, Centre Hospitalier Universitaire de Nice-Université Côte d'Azur).